The following is an entry in ClinVar:

NM_133510.4(RAD51B):c.736G>A (p.Ala246Thr)

Gene: RAD51B (RAD51 paralog B; plus strand). Cytogenetic location: 14q24.1.
Variant type: single nucleotide variant.
Coding change: c.736G>A on transcript NM_133510.4 (MANE Select); coding-DNA position 736, G replaced by A.
Protein change: p.Ala246Thr; replaces alanine 246 with threonine.
Molecular consequence: missense variant.
Genome position (GRCh38, 1-based): chr14:67,887,184, G>A. VCF-style: chr14-67887184-G-A. GRCh37 (hg19) VCF-style: chr14-68353901-G-A.
Other names: c.736G>A, p.Ala246Thr (NM_001321809.2, NM_001321810.2, NM_001321812.1 and 6 more transcripts); c.622G>A, p.Ala208Thr (NM_001321815.1); c.379G>A, p.Ala127Thr (NM_001321817.2); short protein forms A208T, A246T, A127T.
Identifiers: ClinVar variation 3786393 (VCV003786393.1).
Genomic context (GRCh38, chr14:67,887,184, plus strand): 5'-GGCAATCTCAAAGAAAGAAACAAGTTCTTGGCAAGAGAGGCATCCTCCTTGAAGTATTTG[G>A]CTGAGGAGTTTTCAATCCCAGTAAGTTTTTCTTTTTTTCTCTTTTTTCTTTTCCTTTCTT-3'
Protein context (NP_598194.1, residues 236-256): AREASSLKYL[Ala246Thr]EEFSIPVILT

ClinVar aggregate classification (germline): Uncertain significance (1 of 4 stars; one submission).

Submission:

Ambry Genetics
Classification: Uncertain significance. Last evaluated: 2024-12-25. Review status: criteria provided, single submitter. Criteria: Ambry Variant Classification Scheme 2023. Collection method: clinical testing. Allele origin: germline.
Comment: The p.A246T variant (also known as c.736G>A), located in coding exon 6 of the RAD51B gene, results from a G to A substitution at nucleotide position 736. The alanine at codon 246 is replaced by threonine, an amino acid with similar properties. This amino acid position is conserved. In addition, the in silico prediction for this alteration is inconclusive. Based on the available evidence, the clinical significance of this variant remains unclear.